The following is an entry in ClinVar:

ClinVar aggregate classification (germline): Benign (1 of 4 stars; one submission).

Allele frequency attached by ClinVar (database versions not stated): gnomAD exomes 0.00266; gnomAD 0.01971 and 0.02125; 1000 Genomes Project 0.02017; 1000 Genomes Project 30x 0.02217; TOPMed 0.02279.
gnomAD v4.1: 5,333 of 1,000,542 alleles (0.53%); highest among the groups gnomAD compares: African/African-American, 6.7%; 156 homozygotes.

Submission:

GeneDx
Classification: Benign. Last evaluated: 2018-06-14. Review status: criteria provided, single submitter. Criteria: GeneDx Variant Classification (06012015). Collection method: clinical testing. Allele origin: germline. Affected: yes.
Comment: This variant is considered likely benign or benign based on one or more of the following criteria: it is a conservative change, it occurs at a poorly conserved position in the protein, it is predicted to be benign by multiple in silico algorithms, and/or has population frequency not consistent with disease.

NM_004415.4(DSP):c.777+104G>A

Gene: DSP (desmoplakin; plus strand). Cytogenetic location: 6p24.3.
Variant type: single nucleotide variant.
Coding change: c.777+104G>A on transcript NM_004415.4 (MANE Select); 104 bases into the intron after coding-DNA position 777, G replaced by A.
Molecular consequence: intron variant.
Genome position (GRCh38, 1-based): chr6:7,563,890, G>A. VCF-style: chr6-7563890-G-A. GRCh37 (hg19) VCF-style: chr6-7564123-G-A.
Other names: c.777+104G>A (NM_001319034.2, NM_001008844.3).
Identifiers: ClinVar variation 673670 (VCV000673670.1), dbSNP rs28763959, ClinGen allele CA133954038.